The following is an entry in ClinVar:

ClinVar aggregate classification (germline): Uncertain significance. Review status: criteria provided, multiple submitters, no conflicts (2 of 4 stars). 2 submissions from 2 submitters: Uncertain significance (2). Last evaluated 2025-06-10.

Conditions:
Inborn genetic diseases. Identifiers: MedGen C0950123, MeSH D030342.
Mosaic variegated aneuploidy syndrome 1 (MVA1). Also called: Warburton-Anyane-Yeboa syndrome. Identifiers: Orphanet 1052, MedGen C1850343, MONDO:0009759, OMIM 257300.

Allele frequency attached by ClinVar (database versions not stated): gnomAD exomes below 0.00001; ExAC 0.00001; gnomAD 0.00002; TOPMed 0.00006.
gnomAD v4.1: 5 of 1,613,946 alleles (0.00031%); highest among the groups gnomAD compares: African/African-American, 0.0053%; no homozygotes.

Submissions (2):

Labcorp Genetics (formerly Invitae), Labcorp
Classification: Uncertain significance for Mosaic variegated aneuploidy syndrome 1. Last evaluated: 2025-06-10. Review status: criteria provided, single submitter. Criteria: Invitae Variant Classification Sherloc (09022015). Collection method: clinical testing. Allele origin: germline.
Comment: This sequence change replaces threonine, which is neutral and polar, with serine, which is neutral and polar, at codon 204 of the BUB1B protein (p.Thr204Ser). This variant is present in population databases (rs780541154, gnomAD 0.007%). This variant has not been reported in the literature in individuals affected with BUB1B-related conditions. ClinVar contains an entry for this variant (Variation ID: 1019111). An algorithm developed to predict the effect of missense changes on protein structure and function outputs the following: PolyPhen-2: "Benign". The serine amino acid residue is found in multiple mammalian species, which suggests that this missense change does not adversely affect protein function. In summary, the available evidence is currently insufficient to determine the role of this variant in disease. Therefore, it has been classified as a Variant of Uncertain Significance.

Ambry Genetics
Classification: Uncertain significance for Inborn genetic diseases. Last evaluated: 2021-07-14. Review status: criteria provided, single submitter. Criteria: Ambry Variant Classification Scheme 2023. Collection method: clinical testing. Allele origin: germline.
Comment: The p.T204S variant (also known as c.611C>G), located in coding exon 6 of the BUB1B gene, results from a C to G substitution at nucleotide position 611. The threonine at codon 204 is replaced by serine, an amino acid with similar properties. This amino acid position is conserved. In addition, this alteration is predicted to be tolerated by in silico analysis. Since supporting evidence is limited at this time, the clinical significance of this alteration remains unclear.

NM_001211.6(BUB1B):c.611C>G (p.Thr204Ser)

Gene: BUB1B (BUB1 mitotic checkpoint serine/threonine kinase B; plus strand). Cytogenetic location: 15q15.1.
Variant type: single nucleotide variant.
Coding change: c.611C>G on transcript NM_001211.6 (MANE Select); coding-DNA position 611, C replaced by G.
Protein change: p.Thr204Ser; replaces threonine 204 with serine.
Molecular consequence: missense variant.
Genome position (GRCh38, 1-based): chr15:40,183,743, C>G. VCF-style: chr15-40183743-C-G. GRCh37 (hg19) VCF-style: chr15-40475944-C-G.
Other names: short protein forms T204S.
Identifiers: ClinVar variation 1019111 (VCV001019111.12), dbSNP rs780541154, ClinGen allele CA7475524.